The following is an entry in ClinVar:

NM_000283.4(PDE6B):c.966C>T (p.His322=)

Genes: PDE6B (phosphodiesterase 6B; plus strand), PDE6B-AS1 (PDE6B antisense RNA 1; minus strand). Cytogenetic location: 4p16.3.
Variant type: single nucleotide variant.
Coding change: c.966C>T on transcript NM_000283.4 (MANE Select); coding-DNA position 966, C replaced by T.
Protein change: p.His322=; no amino-acid change (histidine 322 retained).
Molecular consequence: synonymous variant. On other transcripts: 5 prime UTR variant (1).
Genome position (GRCh38, 1-based): chr4:654,862, C>T. VCF-style: chr4-654862-C-T. GRCh37 (hg19) VCF-style: chr4-648651-C-T.
Other names: c.966C>T, p.His322= (NM_001145291.2); c.129C>T, p.His43= (NM_001145292.2, NM_001350154.3, NM_001379246.1 and 1 more transcripts); c.-75C>T (NM_001350155.3).
Identifiers: ClinVar variation 349368 (VCV000349368.16), dbSNP rs143711050, ClinGen allele CA2794238.

ClinVar aggregate classification (germline): Conflicting classifications of pathogenicity. Review status: criteria provided, conflicting classifications (1 of 4 stars). 4 submissions from 3 submitters: Uncertain significance (1); Benign (2); Likely benign (1). Last evaluated 2025-12-20.

Conditions:
Retinitis pigmentosa (RP). Identifiers: Orphanet 791, MedGen C0035334, MeSH D012174, MONDO:0019200, OMIM 268000. Inheritance: Autosomal dominant, autosomal recessive and X linked inheritance.
Congenital stationary night blindness autosomal dominant 2. Also called: NIGHT BLINDNESS, CONGENITAL STATIONARY, RAMBUSCH TYPE. Identifiers: Orphanet 215, MedGen C1876182, MONDO:0008099, OMIM 163500.

Allele frequency attached by ClinVar (database versions not stated): gnomAD exomes 0.00028; ExAC 0.00031; TOPMed 0.00031; gnomAD 0.00032; ESP Exome Variant Server 0.00054; 1000 Genomes Project 0.00060; 1000 Genomes Project 30x 0.00078.
gnomAD v4.1: 339 of 1,566,108 alleles (0.022%); highest among the groups gnomAD compares: African/African-American, 0.054%; 2 homozygotes.

Submissions (4):

Labcorp Genetics (formerly Invitae), Labcorp
Classification: Benign. Last evaluated: 2025-12-20. Review status: criteria provided, single submitter. Criteria: Invitae Variant Classification Sherloc (09022015). Collection method: clinical testing. Allele origin: germline.

Blueprint Genetics
Classification: Likely benign. Last evaluated: 2024-09-12. Review status: criteria provided, single submitter. Criteria: ACMG Guidelines, 2015. Collection method: clinical testing. Allele origin: germline.

Illumina Laboratory Services, Illumina
Classification: Benign for Congenital stationary night blindness autosomal dominant 2. Last evaluated: 2018-01-13. Review status: criteria provided, single submitter. Criteria: ICSL Variant Classification Criteria 13 December 2019. Collection method: clinical testing. Allele origin: germline.
Comment: This variant was observed in the ICSL laboratory as part of a predisposition screen in an ostensibly healthy population. It had not been previously curated by ICSL or reported in the Human Gene Mutation Database (HGMD: prior to June 1st, 2018), and was therefore a candidate for classification through an automated scoring system. Utilizing variant allele frequency, disease prevalence and penetrance estimates, and inheritance mode, an automated score was calculated to assess if this variant is too frequent to cause the disease. Based on the score and internal cut-off values, a variant classified as benign is not then subjected to further curation. The score for this variant resulted in a classification of benign for this disease.

Illumina Laboratory Services, Illumina
Classification: Uncertain significance for Retinitis pigmentosa. Last evaluated: 2018-01-13. Review status: criteria provided, single submitter. Criteria: ICSL Variant Classification Criteria 13 December 2019. Collection method: clinical testing. Allele origin: germline.